The following is an entry in ClinVar:

ClinVar aggregate classification (germline): Uncertain significance. Review status: criteria provided, multiple submitters, no conflicts (2 of 4 stars). 2 submissions from 2 submitters: Uncertain significance (2). Last evaluated 2023-11-28.

Conditions:
Stickler syndrome, type I, nonsyndromic ocular. Also called: STICKLER SYNDROME, ATYPICAL; STICKLER SYNDROME, TYPE I, PREDOMINANTLY OCULAR. Identifiers: MedGen C1836080, MONDO:0012287, OMIM 609508.

Allele frequency attached by ClinVar (database versions not stated): gnomAD exomes below 0.00001.
gnomAD v4.1: 3 of 1,555,360 alleles (0.00019%); highest among the groups gnomAD compares: South Asian, 0.0012%; no homozygotes.

Submissions (2):

Labcorp Genetics (formerly Invitae), Labcorp
Classification: Uncertain significance. Last evaluated: 2023-11-28. Review status: criteria provided, single submitter. Criteria: Invitae Variant Classification Sherloc (09022015). Collection method: clinical testing. Allele origin: germline.
Comment: This sequence change replaces arginine, which is basic and polar, with glutamine, which is neutral and polar, at codon 887 of the COL2A1 protein (p.Arg887Gln). This variant is not present in population databases (gnomAD no frequency). This variant has not been reported in the literature in individuals affected with COL2A1-related conditions. ClinVar contains an entry for this variant (Variation ID: 1398629). Advanced modeling of protein sequence and biophysical properties (such as structural, functional, and spatial information, amino acid conservation, physicochemical variation, residue mobility, and thermodynamic stability) has been performed at Invitae for this missense variant, however the output from this modeling did not meet the statistical confidence thresholds required to predict the impact of this variant on COL2A1 protein function. In summary, the available evidence is currently insufficient to determine the role of this variant in disease. Therefore, it has been classified as a Variant of Uncertain Significance.

MGZ Medical Genetics Center
Classification: Uncertain significance for Stickler syndrome, type I, nonsyndromic ocular. Last evaluated: 2022-03-10. Review status: criteria provided, single submitter. Criteria: ACMG Guidelines, 2015. Collection method: clinical testing. Allele origin: germline. Affected: yes. Observed: 1 variant allele.
Comment: ACMG criteria applied: PM2_SUP, PP2, PP3

NM_001844.5(COL2A1):c.2660G>A (p.Arg887Gln)

Gene: COL2A1 (collagen type II alpha 1 chain; minus strand). Cytogenetic location: 12q13.11.
Variant type: single nucleotide variant.
Coding change: c.2660G>A on transcript NM_001844.5 (MANE Select); coding-DNA position 2660, G replaced by A.
Protein change: p.Arg887Gln; replaces arginine 887 with glutamine.
Molecular consequence: missense variant.
Genome position (GRCh38, 1-based): chr12:47,980,028, C>T on the plus strand (G>A on the coding strand, the complement: COL2A1 is on the minus strand). VCF-style: chr12-47980028-C-T. GRCh37 (hg19) VCF-style: chr12-48373811-C-T.
Other names: c.2453G>A, p.Arg818Gln (NM_033150.3); short protein forms R887Q, R818Q.
Identifiers: ClinVar variation 1398629 (VCV001398629.10), dbSNP rs2136534972, ClinGen allele CA384544224.
Genomic context (GRCh38, chr12:47,980,028, plus strand): 5'-CTTTGTGAGGTGCAGGGTGGGGTGTCAGAGGCCTCACTCACCGGGGGGCCTTGGGCACCT[C>T]GGGCTCCTTTAGGACCAGTCACTCCAGTAGGACCCTGGAAAGGAAAGAGGGAGACAGTGA-3'
Protein context (NP_001835.3, residues 877-897): PTGVTGPKGA[Arg887Gln]GAQGPPGATG